The following is an entry in ClinVar:

NM_001267550.2(TTN):c.105667G>A (p.Val35223Ile)

Genes: TTN (titin; minus strand), TTN-AS1 (TTN antisense RNA 1; plus strand), LOC129935183 (ATAC-STARR-seq lymphoblastoid active region 16808; plus strand). Cytogenetic location: 2q31.2.
Variant type: single nucleotide variant.
Coding change: c.105667G>A on transcript NM_001267550.2 (MANE Select); coding-DNA position 105667, G replaced by A.
Protein change: p.Val35223Ile; replaces valine 35223 with isoleucine.
Molecular consequence: missense variant.
Genome position (GRCh38, 1-based): chr2:178,530,948, C>T on the plus strand (G>A on the coding strand, the complement: TTN is on the minus strand). VCF-style: chr2-178530948-C-T. GRCh37 (hg19) VCF-style: chr2-179395675-C-T.
Other names: c.100744G>A, p.Val33582Ile (NM_001256850.1); c.78472G>A, p.Val26158Ile (NM_003319.4); c.97963G>A, p.Val32655Ile (NM_133378.4); c.78847G>A, p.Val26283Ile (NM_133432.3); c.79048G>A, p.Val26350Ile (NM_133437.4); short protein forms V26283I, V26350I, V33582I, V32655I, V35223I, V26158I.
Identifiers: ClinVar variation 1391555 (VCV001391555.8), dbSNP rs1688851195, ClinGen allele CA349408163.

ClinVar aggregate classification (germline): Uncertain significance (1 of 4 stars; one submission).

Conditions:
Dilated cardiomyopathy 1G (CMD1G). Identifiers: Orphanet 154, MedGen C1858763, MONDO:0011400, OMIM 604145.
Autosomal recessive limb-girdle muscular dystrophy type 2J (LGMDR10). Also called: Limb-girdle muscular dystrophy, type 2J; MUSCULAR DYSTROPHY, LIMB-GIRDLE, AUTOSOMAL RECESSIVE 10. Identifiers: Orphanet 140922, MedGen C1837342, MONDO:0012127, OMIM 608807.

Allele frequency attached by ClinVar (database versions not stated): TOPMed below 0.00001; gnomAD 0.00001.
gnomAD v4.1: 1 of 1,613,800 alleles (0.000062%); highest among the groups gnomAD compares: African/African-American, 0.0013%; no homozygotes.

Submission:

Labcorp Genetics (formerly Invitae), Labcorp
Classification: Uncertain significance for Dilated cardiomyopathy 1G; Autosomal recessive limb-girdle muscular dystrophy type 2J. Last evaluated: 2022-03-19. Review status: criteria provided, single submitter. Criteria: Invitae Variant Classification Sherloc (09022015). Collection method: clinical testing. Allele origin: germline.
Comment: In summary, the available evidence is currently insufficient to determine the role of this variant in disease. Therefore, it has been classified as a Variant of Uncertain Significance. This variant is located in the M band of TTN (PMID: 25589632). Variants in this region may be relevant for neuromuscular disorders, but have not been definitively shown to cause cardiomyopathy (PMID: 23975875). Experimental studies and prediction algorithms are not available or were not evaluated, and the effect of this variant on mRNA splicing is currently unknown. Algorithms developed to predict the effect of missense changes on protein structure and function output the following: SIFT: "Not Available"; PolyPhen-2: "Not Available"; Align-GVGD: "Not Available". The isoleucine amino acid residue is found in multiple mammalian species, which suggests that this missense change does not adversely affect protein function. This variant has not been reported in the literature in individuals affected with TTN-related conditions. This variant is not present in population databases (gnomAD no frequency). This sequence change replaces valine, which is neutral and non-polar, with isoleucine, which is neutral and non-polar, at codon 35223 of the TTN protein (p.Val35223Ile).

Literature cited by the submitters: PubMed 25589632; PubMed 23975875.